The following is an entry in ClinVar:

NM_001844.5(COL2A1):c.1232G>A (p.Gly411Glu)

Gene: COL2A1 (collagen type II alpha 1 chain; minus strand). Cytogenetic location: 12q13.11.
Variant type: single nucleotide variant.
Coding change: c.1232G>A on transcript NM_001844.5 (MANE Select); coding-DNA position 1232, G replaced by A.
Protein change: p.Gly411Glu; replaces glycine 411 with glutamic acid.
Molecular consequence: missense variant.
Genome position (GRCh38, 1-based): chr12:47,987,303, C>T on the plus strand (G>A on the coding strand, the complement: COL2A1 is on the minus strand). VCF-style: chr12-47987303-C-T. GRCh37 (hg19) VCF-style: chr12-48381086-C-T.
Other names: c.1025G>A, p.Gly342Glu (NM_033150.3); short protein forms G342E, G411E.
Identifiers: ClinVar variation 1333725 (VCV001333725.2), dbSNP rs2136577158, ClinGen allele CA384554252.

ClinVar aggregate classification (germline): Likely pathogenic (0 of 4 stars; one submission).

Conditions:
Achondrogenesis type II (ACG2). Also called: ACHONDROGENESIS, LANGER-SALDINO TYPE; CHONDROGENESIS IMPERFECTA. Identifiers: Orphanet 932, Orphanet 93296, MedGen C0220685, MONDO:0008702, OMIM 200610.

Submission:

Institute of Medical Genetics and Genomics, Sir Ganga Ram Hospital
Classification: Likely pathogenic for Achondrogenesis type II. Last evaluated: 2022-01-11. Review status: no assertion criteria provided. Collection method: clinical testing. Allele origin: unknown. Inheritance: Autosomal dominant inheritance. Affected: yes. Observed: 1 heterozygote.
Comment: The novel heterozygous mis-sense variant c.1232G>A (p.G411E) has not been observed in gnomAD and 1000g. In-silico bioinformatic software predict this variant by mutation taster as Disease causing and SIFT & PROVEAN as Damaging. Hypochondrogenesis is an autosomal dominant disorder and based on the phenotypic observation we classify this variant as likely pathogenic.